The following is an entry in ClinVar:

ClinVar aggregate classification (germline): Conflicting classifications of pathogenicity. Review status: criteria provided, conflicting classifications (1 of 4 stars). 3 submissions from 3 submitters: Likely pathogenic (1); Uncertain significance (2). Last evaluated 2024-07-10.

Conditions:
Telangiectasia, hereditary hemorrhagic, type 2 (HHT2). Also called: ACVRL1-Related Hereditary Hemorrhagic Telangiectasia; Telangiectasia, hereditary hemorrhagic, type II. Identifiers: Orphanet 774, MedGen C1838163, MONDO:0010880, OMIM 600376. Disease mechanism: loss of function.
Cardiovascular phenotype. Identifiers: MedGen CN230736.

Submissions (3):

Labcorp Genetics (formerly Invitae), Labcorp
Classification: Uncertain significance for Telangiectasia, hereditary hemorrhagic, type 2. Last evaluated: 2024-07-10. Review status: criteria provided, single submitter. Criteria: Invitae Variant Classification Sherloc (09022015). Collection method: clinical testing. Allele origin: germline.
Comment: This sequence change falls in intron 4 of the ACVRL1 gene. It does not directly change the encoded amino acid sequence of the ACVRL1 protein. This variant is not present in population databases (gnomAD no frequency). This variant has been observed in individual(s) with hereditary hemorrhagic telangiectasia (Invitae). ClinVar contains an entry for this variant (Variation ID: 533344). Algorithms developed to predict the effect of sequence changes on RNA splicing suggest that this variant may disrupt the consensus splice site. In summary, the available evidence is currently insufficient to determine the role of this variant in disease. Therefore, it has been classified as a Variant of Uncertain Significance.

Ambry Genetics
Classification: Likely pathogenic for Cardiovascular phenotype. Last evaluated: 2022-04-27. Review status: criteria provided, single submitter. Criteria: Ambry Variant Classification Scheme 2023. Collection method: clinical testing. Allele origin: germline.
Comment: The c.526-7C>A intronic variant results from a C to A substitution 7 nucleotides upstream from coding exon 4 in the ACVRL1 gene. The variant has been detected in a family with features of hereditary hemorrhagic telangiectasia (Ambry internal data). This variant is considered to be rare based on population cohorts in the Genome Aggregation Database (gnomAD). This nucleotide position is not well conserved in available vertebrate species. In silico splice site analysis predicts that this alteration may weaken the native splice acceptor site. RNA studies have demonstrated that this alteration results in abnormal splicing in the set of samples tested (Ambry internal data). Based on the majority of available evidence to date, this variant is likely to be pathogenic.

Department of Clinical Genetics, Copenhagen University Hospital, Rigshospitalet
Classification: Uncertain significance for Telangiectasia, hereditary hemorrhagic, type 2. Last evaluated: 2021-08-01. Review status: criteria provided, single submitter. Criteria: ACMG Guidelines, 2015. Collection method: clinical testing. Allele origin: unknown. Affected: yes.

NM_000020.3(ACVRL1):c.526-7C>A

Gene: ACVRL1 (activin A receptor like type 1; plus strand). Cytogenetic location: 12q13.13.
Variant type: single nucleotide variant.
Coding change: c.526-7C>A on transcript NM_000020.3 (MANE Select); 7 bases into the intron before coding-DNA position 526, C replaced by A.
Molecular consequence: intron variant.
Genome position (GRCh38, 1-based): chr12:51,913,967, C>A. VCF-style: chr12-51913967-C-A. GRCh37 (hg19) VCF-style: chr12-52307751-C-A.
Other names: c.526-7C>A (NM_001077401.2).
Identifiers: ClinVar variation 533344 (VCV000533344.13), dbSNP rs772776468, ClinGen allele CA658797916.
Genomic context (GRCh38, chr12:51,913,967, plus strand): 5'-GTCGAGGATAGAGAAGGGGGCTGTGGCTGGTTGTGGCAGCCTCTCAGTGGCCTCTCCGTA[C>A]CCCCAGGACCTCCTGGACAGTGACTGCACCACAGGGAGTGGCTCAGGGCTCCCCTTCCTG-3'